The following is an entry in ClinVar:

ClinVar aggregate classification (germline): Uncertain significance. Review status: criteria provided, multiple submitters, no conflicts (2 of 4 stars). 2 submissions from 2 submitters: Uncertain significance (2). Last evaluated 2023-03-13.

Allele frequency attached by ClinVar (database versions not stated): gnomAD 0.00004; ExAC 0.00005; gnomAD exomes 0.00005 and 0.00010; TOPMed 0.00006; ESP Exome Variant Server 0.00008.
gnomAD v4.1: 145 of 1,613,952 alleles (0.009%); highest among the groups gnomAD compares: Non-Finnish European, 0.012%; no homozygotes.

Submissions (2):

GeneDx
Classification: Uncertain significance. Last evaluated: 2023-03-13. Review status: criteria provided, single submitter. Criteria: GeneDx Variant Classification Process June 2021. Collection method: clinical testing. Allele origin: germline. Affected: yes.
Comment: In silico analysis supports that this missense variant has a deleterious effect on protein structure/function; Has not been previously published as pathogenic or benign to our knowledge

Labcorp Genetics (formerly Invitae), Labcorp
Classification: Uncertain significance. Last evaluated: 2022-06-19. Review status: criteria provided, single submitter. Criteria: Invitae Variant Classification Sherloc (09022015). Collection method: clinical testing. Allele origin: germline.
Comment: Algorithms developed to predict the effect of sequence changes on RNA splicing suggest that this variant may create or strengthen a splice site. Algorithms developed to predict the effect of missense changes on protein structure and function are either unavailable or do not agree on the potential impact of this missense change (SIFT: "Tolerated"; PolyPhen-2: "Possibly Damaging"; Align-GVGD: "Class C0"). This variant has not been reported in the literature in individuals affected with LAMA1-related conditions. This variant is present in population databases (rs375957953, gnomAD 0.008%). This sequence change replaces asparagine, which is neutral and polar, with serine, which is neutral and polar, at codon 90 of the LAMA1 protein (p.Asn90Ser). In summary, the available evidence is currently insufficient to determine the role of this variant in disease. Therefore, it has been classified as a Variant of Uncertain Significance.

NM_005559.4(LAMA1):c.269A>G (p.Asn90Ser)

Gene: LAMA1 (laminin subunit alpha 1; minus strand). Cytogenetic location: 18p11.31.
Variant type: single nucleotide variant.
Coding change: c.269A>G on transcript NM_005559.4 (MANE Select); coding-DNA position 269, A replaced by G.
Protein change: p.Asn90Ser; replaces asparagine 90 with serine.
Molecular consequence: missense variant.
Genome position (GRCh38, 1-based): chr18:7,080,051, T>C on the plus strand (A>G on the coding strand, the complement: LAMA1 is on the minus strand). VCF-style: chr18-7080051-T-C. GRCh37 (hg19) VCF-style: chr18-7080050-T-C.
Other names: c.269A>G (NM_005559.3); short protein forms N90S.
Identifiers: ClinVar variation 1401073 (VCV001401073.8), dbSNP rs375957953, ClinGen allele CA8883352.
Genomic context (GRCh38, chr18:7,080,051, plus strand): 5'-GTGATTGTGACCCAGTGATATTCTCTCCCATTCTGAATGCTGGGACTTTGCCACCAGTTA[T>C]TGGTGCCATCTATGGCATGTGATATTGGATGGCGTTCTGTTGAAAGAAAATAAAAAACAT-3'
Protein context (NP_005550.2, residues 80-100): HPISHAIDGT[Asn90Ser]NWWQSPSIQN